The following is an entry in ClinVar:

NM_000019.4(ACAT1):c.495_496del (p.Gly166fs)

Gene: ACAT1 (acetyl-CoA acetyltransferase 1; plus strand). Cytogenetic location: 11q22.3.
Variant type: Microsatellite.
Coding change: c.495_496del on transcript NM_000019.4 (MANE Select); coding-DNA positions 495 to 496, 2 bases deleted (AG; older notation c.495_496delAG).
Protein change: p.Gly166fs; shifts the reading frame from glycine 166.
Molecular consequence: frameshift variant. On other transcripts: non-coding transcript variant (2).
Genome position (GRCh38, 1-based): chr11:108,138,957-108,138,958, AG deleted; deleting any 2 consecutive bases within chr11:108,138,955-108,138,958 gives the same sequence; the c. name uses the placement nearest the transcript's 3' end. VCF-style (leftmost placement, unchanged base first): chr11-108138954-CAG-C. GRCh37 (hg19) VCF-style: chr11-108009681-CAG-C.
Other names: c.495_496del, p.Gly166fs (NM_001386677.1); c.180_181del, p.Gly61fs (NM_001386678.1); c.198_199del, p.Gly67fs (NM_001386679.1); c.225_226del, p.Gly76fs (NM_001386681.1, NM_001386682.1, NM_001386685.1 and 6 more transcripts); short protein forms G166fs, G61fs, G67fs, G76fs.
Identifiers: ClinVar variation 3235011 (VCV003235011.2), dbSNP rs1401882647, ClinGen allele CA601691817.

ClinVar aggregate classification (germline): Pathogenic/Likely pathogenic. Review status: criteria provided, multiple submitters, no conflicts (2 of 4 stars). 2 submissions from 2 submitters: Pathogenic (1); Likely pathogenic (1). Last evaluated 2025-08-06.

Conditions:
Deficiency of acetyl-CoA acetyltransferase. Also called: 3-KETOTHIOLASE DEFICIENCY; 3-OXOTHIOLASE DEFICIENCY; MITOCHONDRIAL ACETOACETYL-CoA THIOLASE DEFICIENCY; Beta-ketothiolase deficiency. Identifiers: Orphanet 134, MedGen C1536500, MONDO:0008760, OMIM 203750. Disease mechanism: loss of function.

Submissions (2):

Myriad Genetics, Inc.
Classification: Pathogenic for Deficiency of acetyl-CoA acetyltransferase. Last evaluated: 2025-08-06. Review status: criteria provided, single submitter. Criteria: Myriad Autosomal Dominant, Autosomal Recessive and X-Linked Classification Criteria (2023). Collection method: clinical testing. Allele origin: unknown.
Comment: NM_000019.3(ACAT1):c.495_496delAG(G166Ifs*10) is expected to be pathogenic in the context of beta-ketothiolase deficiency. This variant is predicted to lead to an abnormal or absent protein product due to the creation of a premature termination codon in ACAT1, a gene where loss-of-function variants are known to be pathogenic. Please note: this variant was assessed in the context of healthy population screening.

Neuberg Centre For Genomic Medicine, NCGM
Classification: Likely pathogenic for Deficiency of acetyl-CoA acetyltransferase. Review status: criteria provided, single submitter. Criteria: ACMG Guidelines, 2015. Collection method: clinical testing. Allele origin: germline. Inheritance: Autosomal recessive inheritance. Affected: yes.
Comment: The frameshift c.495_496del p.Gly166IlefsTer10 variant in ACAT1 gene has not been reported previously as a pathogenic variant nor as a benign variant, to our knowledge. The p.Gly166IlefsTer10 variant is reported with an allele frequency of 0.0004% in the gnomAD exomes database and is novel not in any individuals in 1000 Genomes database. This variant has not been reported to the ClinVar database. This variant causes a frameshift starting with codon Glycine 166, changes this amino acid to Isoleucine residue, and creates a premature Stop codon at position 10 of the new reading frame, denoted p.Gly166IlefsTer10. This variant is predicted to cause loss of normal protein function through protein truncation. Loss of function variants have been previously reported to be disease causing. For these reasons, this variant has been classified as Likely Pathogenic.